The following is an entry in ClinVar:

ClinVar aggregate classification (germline): Likely benign. Review status: criteria provided, single submitter (1 of 4 stars). 2 submissions from 2 submitters: Likely benign (1). 1 of the submissions does not count toward it. Last evaluated 2023-09-26.

Conditions:
Ethylmalonic encephalopathy (EE). Also called: EPEMA syndrome; Encephalopathy, petechiae, and ethylmalonic aciduria; Syndrome of encephalopathy, petechiae, and ethylmalonic aciduria. Identifiers: Orphanet 51188, MedGen C1865349, MONDO:0011229, OMIM 602473. Disease mechanism: loss of function.
ETHE1-related disorder. Also called: ETHE1-related condition.

Allele frequency attached by ClinVar (database versions not stated): gnomAD 0.00001; TOPMed 0.00003; gnomAD exomes 0.00009.
gnomAD v4.1: 120 of 1,543,470 alleles (0.0078%); highest among the groups gnomAD compares: Non-Finnish European, 0.0099%; no homozygotes.

Submissions (2):

Labcorp Genetics (formerly Invitae), Labcorp
Classification: Likely benign for Ethylmalonic encephalopathy. Last evaluated: 2023-09-26. Review status: criteria provided, single submitter. Criteria: Invitae Variant Classification Sherloc (09022015). Collection method: clinical testing. Allele origin: germline.

PreventionGenetics, part of Exact Sciences
Classification: Likely benign for ETHE1-related condition. Last evaluated: 2019-03-05. Review status: no assertion criteria provided. Collection method: clinical testing. Allele origin: germline. Not counted in ClinVar's aggregate classification.
Comment: This variant is classified as likely benign based on ACMG/AMP sequence variant interpretation guidelines (Richards et al. 2015 PMID: 25741868, with internal and published modifications).

NM_014297.5(ETHE1):c.18G>A (p.Leu6=)

Gene: ETHE1 (ETHE1 persulfide dioxygenase; minus strand). Cytogenetic location: 19q13.31.
Variant type: single nucleotide variant.
Coding change: c.18G>A on transcript NM_014297.5 (MANE Select); coding-DNA position 18, G replaced by A.
Protein change: p.Leu6=; no amino-acid change (leucine 6 retained).
Molecular consequence: synonymous variant. On other transcripts: 5 prime UTR variant (1).
Genome position (GRCh38, 1-based): chr19:43,527,160, C>T on the plus strand (G>A on the coding strand, the complement: ETHE1 is on the minus strand). VCF-style: chr19-43527160-C-T. GRCh37 (hg19) VCF-style: chr19-44031312-C-T.
Other names: c.18G>A, p.Leu6= (NM_001320867.2, NM_001320869.2); c.-203G>A (NM_001320868.2); c.18G>A (NM_014297.4).
Identifiers: ClinVar variation 1090368 (VCV001090368.11), dbSNP rs766437972, ClinGen allele CA9487979.